The following is an entry in ClinVar:

NM_001349206.2(LPIN1):c.*1400T>C

Gene: LPIN1 (lipin 1; plus strand). Cytogenetic location: 2p25.1.
Variant type: single nucleotide variant.
Coding change: c.*1400T>C on transcript NM_001349206.2 (MANE Select); 1400 bases downstream of the stop codon, T replaced by C.
Molecular consequence: 3 prime UTR variant. On other transcripts: non-coding transcript variant (1).
Genome position (GRCh38, 1-based): chr2:11,826,191, T>C. VCF-style: chr2-11826191-T-C. GRCh37 (hg19) VCF-style: chr2-11966317-T-C.
Other names: c.*1400T>C (NM_001261427.3, NM_001261428.3, NM_001349199.2 and 9 more transcripts).
Identifiers: ClinVar variation 330940 (VCV000330940.6), dbSNP rs11524, ClinGen allele CA10611937.

ClinVar aggregate classification (germline): Benign. Review status: criteria provided, multiple submitters, no conflicts (2 of 4 stars). 2 submissions from 2 submitters: Benign (2). Last evaluated 2018-01-12.

Conditions:
Myoglobinuria, acute recurrent, autosomal recessive. Also called: MYOGLOBINURIA, FAMILIAL PAROXYSMAL PARALYTIC; RHABDOMYOLYSIS, ACUTE RECURRENT; Myoglobinuria, recurrent, autosomal recessive. Identifiers: Orphanet 99845, MedGen C1849386, MONDO:0009992, OMIM 268200.

Allele frequency attached by ClinVar (database versions not stated): gnomAD exomes 0.04225; gnomAD 0.21158 and 0.21720; 1000 Genomes Project 0.23123; TOPMed 0.23264; 1000 Genomes Project 30x 0.23657.
gnomAD v4.1: 31,989 of 152,530 alleles (21%); highest among the groups gnomAD compares: African/African-American, 45%; 5,212 homozygotes.

Submissions (2):

Illumina Laboratory Services, Illumina
Classification: Benign for Myoglobinuria, acute recurrent, autosomal recessive. Last evaluated: 2018-01-12. Review status: criteria provided, single submitter. Criteria: ICSL Variant Classification Criteria 13 December 2019. Collection method: clinical testing. Allele origin: germline.
Comment: This variant was observed in the ICSL laboratory as part of a predisposition screen in an ostensibly healthy population. It had not been previously curated by ICSL or reported in the Human Gene Mutation Database (HGMD: prior to June 1st, 2018), and was therefore a candidate for classification through an automated scoring system. Utilizing variant allele frequency, disease prevalence and penetrance estimates, and inheritance mode, an automated score was calculated to assess if this variant is too frequent to cause the disease. Based on the score and internal cut-off values, a variant classified as benign is not then subjected to further curation. The score for this variant resulted in a classification of benign for this disease.

Breakthrough Genomics
Classification: Benign. Review status: criteria provided, single submitter. Criteria: ACMG Guidelines, 2015. Collection method: not provided. Allele origin: germline. Inheritance: Autosomal recessive inheritance. Affected: yes.